The following is an entry in ClinVar:

ClinVar aggregate classification (germline): Pathogenic. Review status: criteria provided, single submitter (1 of 4 stars). 2 submissions from 2 submitters: Pathogenic (1). 1 of the submissions does not count toward it. Last evaluated 2022-04-07.

Conditions:
Autosomal recessive limb-girdle muscular dystrophy type 2B (LGMDR2). Also called: MUSCULAR DYSTROPHY, LIMB-GIRDLE, AUTOSOMAL RECESSIVE 2; MUSCULAR DYSTROPHY, LIMB-GIRDLE, TYPE 3; Limb-girdle muscular dystrophy, type 2B; Limb-Girdle Muscular Dystrophy Type 2B (LGMD2B). Identifiers: Orphanet 268, MedGen C1850889, MONDO:0009676, OMIM 253601.
Neuromuscular disease caused by qualitative or quantitative defects of dysferlin. Also called: Dysferlinopathy; Qualitative or quantitative defects of dysferlin. Identifiers: Orphanet 207073, MedGen C2931687, MONDO:0016145.

Allele frequency attached by ClinVar (database versions not stated): TOPMed below 0.00001.

Submissions (2):

Labcorp Genetics (formerly Invitae), Labcorp
Classification: Pathogenic for Neuromuscular disease caused by qualitative or quantitative defects of dysferlin. Last evaluated: 2022-04-07. Review status: criteria provided, single submitter. Criteria: Invitae Variant Classification Sherloc (09022015). Collection method: clinical testing. Allele origin: germline.
Comment: Disruption of this splice site has been observed in individual(s) with DYSF-related conditions (PMID: 18853459, 27647186). For these reasons, this variant has been classified as Pathogenic. Algorithms developed to predict the effect of sequence changes on RNA splicing suggest that this variant may disrupt the consensus splice site. ClinVar contains an entry for this variant (Variation ID: 555431). This variant is not present in population databases (gnomAD no frequency). This sequence change affects a donor splice site in intron 38 of the DYSF gene. It is expected to disrupt RNA splicing. Variants that disrupt the donor or acceptor splice site typically lead to a loss of protein function (PMID: 16199547), and loss-of-function variants in DYSF are known to be pathogenic (PMID: 17698709, 20301480).

Counsyl
Classification: Pathogenic for Autosomal recessive limb-girdle muscular dystrophy type 2B. Last evaluated: 2017-12-05. Review status: no assertion criteria provided. Collection method: clinical testing. Allele origin: unknown. Not counted in ClinVar's aggregate classification.

Literature cited by the submitters: PubMed 18853459 (cited by Labcorp Genetics (formerly Invitae), Labcorp and Counsyl); PubMed 27647186 (cited by Labcorp Genetics (formerly Invitae), Labcorp); PubMed 16199547 (cited by Labcorp Genetics (formerly Invitae), Labcorp); PubMed 17698709 (cited by Labcorp Genetics (formerly Invitae), Labcorp); PubMed 20301480 (cited by Labcorp Genetics (formerly Invitae), Labcorp); PubMed 18832576 (cited by Counsyl).

NM_001130987.2(DYSF):c.4221+1G>C

Gene: DYSF (dysferlin; plus strand). Cytogenetic location: 2p13.2.
Variant type: single nucleotide variant.
Coding change: c.4221+1G>C on transcript NM_001130987.2 (MANE Select); the canonical splice donor site of the intron after coding-DNA position 4221, G replaced by C.
Molecular consequence: splice donor variant.
Genome position (GRCh38, 1-based): chr2:71,611,627, G>C. VCF-style: chr2-71611627-G-C. GRCh37 (hg19) VCF-style: chr2-71838757-G-C.
Other names: c.4260+1G>C (NM_001130979.2); c.4218+1G>C (NM_001130981.2, NM_001130980.2); c.4167+1G>C (NM_001130978.2, NM_003494.4); c.4125+1G>C (NM_001130977.2, NM_001130976.2); c.4263+1G>C (NM_001130982.2); c.4221+1G>C (NM_001130985.2); c.4170+1G>C (NM_001130983.2, NM_001130455.2); c.4128+1G>C (NM_001130984.2, NM_001130986.2).
Identifiers: ClinVar variation 555431 (VCV000555431.7), dbSNP rs1474151297, ClinGen allele CA347228990.
Genomic context (GRCh38, chr2:71,611,627, plus strand): 5'-GTCATCAGGAACCTCCGGAAGAACCCCAACTTTGACATCTGCACCCTCTTCATGGAAGTG[G>C]TGAGCCCCACCTCCCTACTGTCCCCTTCCAGAGTCCTGGGGCTAGAAGTTCTACATGTCC-3'